The following is an entry in ClinVar:

NR_003051.3(RMRP):n.-7_-6insATCTGTGAAGCTGA

Gene: RMRP (RNA component of mitochondrial RNA processing endoribonuclease; minus strand). Cytogenetic location: 9p13.3.
Variant type: Insertion.
Genome position: GRCh38 VCF-style: chr9-35658024-C-CTCAGCTTCACAGAT. GRCh37 (hg19) VCF-style: chr9-35658021-C-CTCAGCTTCACAGAT.
Identifiers: ClinVar variation 974963 (VCV000974963.1), dbSNP rs1823639598, ClinGen allele CA1139660936.

ClinVar aggregate classification (germline): Likely pathogenic (1 of 4 stars; one submission).

Conditions:
Metaphyseal chondrodysplasia, McKusick type (CHH). Also called: Cartilage-hair hypoplasia; Cartilage-Hair Hypoplasia (CHH). Identifiers: Orphanet 175, MedGen C0220748, MONDO:0009595, OMIM 250250.

Submission:

Women's Health and Genetics/Laboratory Corporation of America, LabCorp
Classification: Likely pathogenic for Metaphyseal chondrodysplasia, McKusick type. Last evaluated: 2020-07-31. Review status: criteria provided, single submitter. Criteria: LabCorp Variant Classification Summary - May 2015. Collection method: clinical testing. Allele origin: germline.
Comment: Variant summary: RMRP n.-7_-6ins14 varinat involves the insertion of 14 nucleotides in the promoter region of the RMRP gene, which is located between the TATA box (at position -33 to -25) and the transcription initiation start site (at +1). Other insertions and duplications in the promoter region of RMRP have been classified as pathogenic (internally and in ClinVar). The variant was absent in 127922 control chromosomes (gnomAD). To our knowledge, no occurrence of n.-7_-6ins14 in individuals affected with Cartilage-Hair Hypoplasia and no experimental evidence demonstrating its impact on protein function have been reported. However, many other insertions and duplications in the promoter region of RMRP have been reported in affected individuals in the literature (e.g. PMIDs: 21956908, 21396580) and have been demonstrated through functional studies to lead to reduced RMRP transcription (e.g. PMIDs: 11207361, 16254002). No clinical diagnostic laboratories have submitted clinical-significance assessments for this variant to ClinVar after 2014. Based on the evidence outlined above, the variant was classified as likely pathogenic.